The following is an entry in ClinVar:

ClinVar aggregate classification (germline): Uncertain significance (1 of 4 stars; one submission).

Conditions:
Perrault syndrome 3 (PRLTS3). Identifiers: Orphanet 2855, MedGen C3808414, MONDO:0013588, OMIM 614129.

Submission:

3billion
Classification: Uncertain significance for Perrault syndrome 3. Last evaluated: 2025-10-07. Review status: criteria provided, single submitter. Criteria: ACMG Guidelines, 2015. Collection method: clinical testing. Allele origin: germline. Affected: yes.
Comment: The variant is not observed in the gnomAD v4.1.0 dataset. Predicted Consequence/Location: Missense variant Therefore, this variant is classified as VUS according to the recommendation of ACMG/AMP guideline.

NM_006012.4(CLPP):c.450G>C (p.Gln150His)

Gene: CLPP (caseinolytic mitochondrial matrix peptidase proteolytic subunit; plus strand). Cytogenetic location: 19p13.3.
Variant type: single nucleotide variant.
Coding change: c.450G>C on transcript NM_006012.4 (MANE Select); coding-DNA position 450, G replaced by C.
Protein change: p.Gln150His; replaces glutamine 150 with histidine.
Molecular consequence: missense variant.
Genome position (GRCh38, 1-based): chr19:6,364,534, G>C. VCF-style: chr19-6364534-G-C. GRCh37 (hg19) VCF-style: chr19-6364545-G-C.
Other names: short protein forms Q150H.
Identifiers: ClinVar variation 4855312 (VCV004855312.1).